The following is an entry in ClinVar:

NM_002661.5(PLCG2):c.2528A>G (p.Asn843Ser)

Gene: PLCG2 (phospholipase C gamma 2; plus strand). Cytogenetic location: 16q23.3.
Variant type: single nucleotide variant.
Coding change: c.2528A>G on transcript NM_002661.5 (MANE Select); coding-DNA position 2528, A replaced by G.
Protein change: p.Asn843Ser; replaces asparagine 843 with serine.
Molecular consequence: missense variant.
Genome position (GRCh38, 1-based): chr16:81,928,571, A>G. VCF-style: chr16-81928571-A-G. GRCh37 (hg19) VCF-style: chr16-81962176-A-G.
Other names: c.2528A>G, p.Asn843Ser (NM_001425749.1, NM_001425750.1, NM_001425751.1); short protein forms N843S.
Identifiers: ClinVar variation 2744597 (VCV002744597.3), dbSNP rs767227331, ClinGen allele CA8194338.

ClinVar aggregate classification (germline): Uncertain significance (1 of 4 stars; one submission).

Conditions:
Familial cold autoinflammatory syndrome 3 (FCAS3). Also called: ANTIBODY DEFICIENCY AND IMMUNE DYSREGULATION, PLCG2-ASSOCIATED; FAMILIAL ATYPICAL COLD URTICARIA. Identifiers: Orphanet 300359, MedGen C3280914, MONDO:0013766, OMIM 614468.

Allele frequency attached by ClinVar (database versions not stated): gnomAD exomes below 0.00001; ExAC 0.00001.
gnomAD v4.1: 1 of 1,604,630 alleles (0.000062%); highest among the groups gnomAD compares: South Asian, 0.0011%; no homozygotes.

Submission:

Labcorp Genetics (formerly Invitae), Labcorp
Classification: Uncertain significance for Familial cold autoinflammatory syndrome 3. Last evaluated: 2023-07-17. Review status: criteria provided, single submitter. Criteria: Invitae Variant Classification Sherloc (09022015). Collection method: clinical testing. Allele origin: germline.
Comment: This variant is present in population databases (rs767227331, gnomAD 0.003%). This variant has not been reported in the literature in individuals affected with PLCG2-related conditions. An algorithm developed to predict the effect of missense changes on protein structure and function (PolyPhen-2) suggests that this variant is likely to be tolerated. In summary, the available evidence is currently insufficient to determine the role of this variant in disease. Therefore, it has been classified as a Variant of Uncertain Significance. This sequence change replaces asparagine, which is neutral and polar, with serine, which is neutral and polar, at codon 843 of the PLCG2 protein (p.Asn843Ser).